The following is an entry in ClinVar:

NM_006080.3(SEMA3A):c.1219C>T (p.Pro407Ser)

Gene: SEMA3A (semaphorin 3A; minus strand). Cytogenetic location: 7q21.11.
Variant type: single nucleotide variant.
Coding change: c.1219C>T on transcript NM_006080.3 (MANE Select); coding-DNA position 1219, C replaced by T.
Protein change: p.Pro407Ser; replaces proline 407 with serine.
Molecular consequence: missense variant.
Genome position (GRCh38, 1-based): chr7:84,005,480, G>A on the plus strand (C>T on the coding strand, the complement: SEMA3A is on the minus strand). VCF-style: chr7-84005480-G-A. GRCh37 (hg19) VCF-style: chr7-83634796-G-A.
Other names: short protein forms P407S.
Identifiers: ClinVar variation 3317276 (VCV003317276.4).
Genomic context (GRCh38, chr7:84,005,480, plus strand): 5'-CATCCGTTTTGATCACTATTGGGCGATTGTTCATAGGAAACACTGGATTGTACATGGCTG[G>A]ATGACTTCTTGCAAAGGTTATAACATCATCAGGAAGGTCCTTTGTAGAGTCAAAACCACC-3'
Protein context (NP_006071.1, residues 397-417): DDVITFARSH[Pro407Ser]AMYNPVFPMN

ClinVar aggregate classification (germline): Uncertain significance. Review status: criteria provided, multiple submitters, no conflicts (2 of 4 stars). 3 submissions from 3 submitters: Uncertain significance (3). Last evaluated 2025-10-06.

Conditions:
Inborn genetic diseases. Identifiers: MedGen C0950123, MeSH D030342.
SEMA3A-related disorder. Also called: SEMA3A-related condition.

Submissions (3):

PreventionGenetics, part of Exact Sciences
Classification: Uncertain significance for SEMA3A-related condition. Last evaluated: 2025-10-06. Review status: criteria provided, single submitter. Criteria: ACMG Guidelines, 2015. Collection method: clinical testing. Allele origin: germline.
Comment: The SEMA3A c.1219C>T variant is predicted to result in the amino acid substitution p.Pro407Ser. To our knowledge, this variant has not been reported in the literature or in a large population database (gnomAD), indicating this variant is rare. At this time, the clinical significance of this variant is uncertain due to the absence of conclusive functional and genetic evidence.

Labcorp Genetics (formerly Invitae), Labcorp
Classification: Uncertain significance. Last evaluated: 2024-06-19. Review status: criteria provided, single submitter. Criteria: Invitae Variant Classification Sherloc (09022015). Collection method: clinical testing. Allele origin: germline.
Comment: This sequence change replaces proline, which is neutral and non-polar, with serine, which is neutral and polar, at codon 407 of the SEMA3A protein (p.Pro407Ser). This variant is not present in population databases (gnomAD no frequency). This variant has not been reported in the literature in individuals affected with SEMA3A-related conditions. Advanced modeling of protein sequence and biophysical properties (such as structural, functional, and spatial information, amino acid conservation, physicochemical variation, residue mobility, and thermodynamic stability) performed at Invitae indicates that this missense variant is not expected to disrupt SEMA3A protein function with a negative predictive value of 80%. In summary, the available evidence is currently insufficient to determine the role of this variant in disease. Therefore, it has been classified as a Variant of Uncertain Significance.

Ambry Genetics
Classification: Uncertain significance for Inborn genetic diseases. Last evaluated: 2024-03-21. Review status: criteria provided, single submitter. Criteria: Ambry Variant Classification Scheme 2023. Collection method: clinical testing. Allele origin: germline.